The following is an entry in ClinVar:

NM_001278116.2(L1CAM):c.1547-18C>T

Gene: L1CAM (L1 cell adhesion molecule; minus strand). Cytogenetic location: Xq28.
Variant type: single nucleotide variant.
Coding change: c.1547-18C>T on transcript NM_001278116.2 (MANE Select); 18 bases into the intron before coding-DNA position 1547, C replaced by T.
Molecular consequence: intron variant.
Genome position (GRCh38, 1-based): chrX:153,868,476, G>A on the plus strand (C>T on the coding strand, the complement: L1CAM is on the minus strand). VCF-style: chrX-153868476-G-A. GRCh37 (hg19) VCF-style: chrX-153133931-G-A.
Other names: c.1532-18C>T (NM_001143963.2); c.1547-18C>T (NM_024003.3, NM_000425.5, NM_000425.4).
Identifiers: ClinVar variation 1554578 (VCV001554578.40), dbSNP rs200876938, ClinGen allele CA10554346.

ClinVar aggregate classification (germline): Benign/Likely benign. Review status: criteria provided, multiple submitters, no conflicts (2 of 4 stars). 4 submissions from 4 submitters: Benign (1); Likely benign (2). 1 of the submissions does not count toward it. Last evaluated 2026-03-01.

Conditions:
Spastic paraplegia. Identifiers: MedGen C0037772, HP:0001258.
L1CAM-related disorder. Also called: L1CAM-related condition.

Allele frequency attached by ClinVar (database versions not stated): TOPMed 0.00009; gnomAD exomes 0.00011 and 0.00018; ExAC 0.00013; gnomAD 0.00018 and 0.00019; ESP Exome Variant Server 0.00028.

Submissions (4):

CeGaT Center for Human Genetics Tuebingen
Classification: Likely benign. Last evaluated: 2026-03-01. Review status: criteria provided, single submitter. Criteria: CeGaT Center For Human Genetics Tuebingen Variant Classification Criteria Version 2. Collection method: clinical testing. Allele origin: germline. Affected: yes. Observed: 4 variant alleles.
Comment: L1CAM: BS2

Labcorp Genetics (formerly Invitae), Labcorp
Classification: Benign for Spastic paraplegia. Last evaluated: 2025-10-02. Review status: criteria provided, single submitter. Criteria: Invitae Variant Classification Sherloc (09022015). Collection method: clinical testing. Allele origin: germline.

Blueprint Genetics
Classification: Likely benign. Last evaluated: 2024-11-06. Review status: criteria provided, single submitter. Criteria: ACMG Guidelines, 2015. Collection method: clinical testing. Allele origin: germline.

PreventionGenetics, part of Exact Sciences
Classification: Likely benign for L1CAM-related condition. Last evaluated: 2021-12-01. Review status: no assertion criteria provided. Collection method: clinical testing. Allele origin: germline. Not counted in ClinVar's aggregate classification.
Comment: This variant is classified as likely benign based on ACMG/AMP sequence variant interpretation guidelines (Richards et al. 2015 PMID: 25741868, with internal and published modifications).